The following is an entry in ClinVar:

NM_000384.3(APOB):c.11568C>T (p.Ile3856=)

Gene: APOB (apolipoprotein B; minus strand). Cytogenetic location: 2p24.1.
Variant type: single nucleotide variant.
Coding change: c.11568C>T on transcript NM_000384.3 (MANE Select); coding-DNA position 11568, C replaced by T.
Protein change: p.Ile3856=; no amino-acid change (isoleucine 3856 retained).
Molecular consequence: synonymous variant.
Genome position (GRCh38, 1-based): chr2:21,005,300, G>A on the plus strand (C>T on the coding strand, the complement: APOB is on the minus strand). VCF-style: chr2-21005300-G-A. GRCh37 (hg19) VCF-style: chr2-21228172-G-A.
Identifiers: ClinVar variation 544084 (VCV000544084.19), dbSNP rs542175556, ClinGen allele CA046881.

ClinVar aggregate classification (germline): Benign/Likely benign. Review status: criteria provided, multiple submitters, no conflicts (2 of 4 stars). 5 submissions from 5 submitters: Benign (2); Likely benign (3). Last evaluated 2025-09-10.

Conditions:
Familial hypobetalipoproteinemia 1. Also called: Hypobetalipoproteinemia, normotriglyceridemic; Acanthocytosis with hypobetalipoproteinemia; APOB-Related Familial Hypobetalipoproteinemia. Identifiers: MedGen C4551990, MONDO:0014252, OMIM 615558.
Hypercholesterolemia, autosomal dominant, type B (FHCL2). Also called: Familial Hypercholesterolemia Type B; APOLIPOPROTEIN B-100, FAMILIAL DEFECTIVE; APOLIPOPROTEIN B-100, FAMILIAL LIGAND-DEFECTIVE; Familial hypercholesterolemia 2; Hyperlipoproteinemia Type IIb; APOB-Related Familial Hypercholesterolemia, Autosomal Dominant. Identifiers: MedGen C1704417, MONDO:0007751, OMIM 144010.
Familial hypercholesterolemia. Also called: Familial hypercholesterolemias; Familial hypercholesterolaemia. Identifiers: MedGen C0020445, MONDO:0005439.
Cardiovascular phenotype. Identifiers: MedGen CN230736.

Allele frequency attached by ClinVar (database versions not stated): gnomAD 0.00001 and 0.00013; TOPMed 0.00001; 1000 Genomes Project 30x 0.00031; 1000 Genomes Project 0.00040; ExAC 0.00040.
gnomAD v4.1: 341 of 1,614,042 alleles (0.021%); highest among the groups gnomAD compares: South Asian, 0.35%; 3 homozygotes.

Submissions (5):

Labcorp Genetics (formerly Invitae), Labcorp
Classification: Benign for Familial hypobetalipoproteinemia 1; Hypercholesterolemia, autosomal dominant, type B. Last evaluated: 2025-09-10. Review status: criteria provided, single submitter. Criteria: Invitae Variant Classification Sherloc (09022015). Collection method: clinical testing. Allele origin: germline.

Blueprint Genetics
Classification: Likely benign. Last evaluated: 2024-11-25. Review status: criteria provided, single submitter. Criteria: ACMG Guidelines, 2015. Collection method: clinical testing. Allele origin: germline.

GENinCode PLC
Classification: Likely benign for Familial hypercholesterolemia. Last evaluated: 2024-02-27. Review status: criteria provided, single submitter. Criteria: ACMG Guidelines, 2015. Collection method: clinical testing. Allele origin: germline.
Comment: This is a synonymous (silent) variant that is not predicted by SpliceAI to impact splicing. In addition, it occurs at a nucleotide that is not conserved and has a PopMax FAF which is greater than expected for this disorder. Therefore this variant has been classified as Likely Benign (BS1, BP4, BP7).

Quest Diagnostics Nichols Institute San Juan Capistrano
Classification: Benign. Last evaluated: 2023-07-20. Review status: criteria provided, single submitter. Criteria: Quest Diagnostics criteria. Collection method: clinical testing. Allele origin: unknown.

Ambry Genetics
Classification: Likely benign for Cardiovascular phenotype. Last evaluated: 2022-10-02. Review status: criteria provided, single submitter. Criteria: Ambry Variant Classification Scheme 2023. Collection method: clinical testing. Allele origin: germline.